The following is an entry in ClinVar:

ClinVar aggregate classification (germline): Benign/Likely benign. Review status: criteria provided, multiple submitters, no conflicts (2 of 4 stars). 12 submissions from 12 submitters: Benign (6); Likely benign (4). 2 of the submissions do not count toward it. Last evaluated 2026-04-01.

Conditions:
Cardiovascular phenotype. Identifiers: MedGen CN230736.
Arrhythmogenic cardiomyopathy with wooly hair and keratoderma. Also called: Dilated cardiomyopathy with woolly hair and keratoderma; Carvajal syndrome; PALMOPLANTAR KERATODERMA WITH LEFT VENTRICULAR CARDIOMYOPATHY AND WOOLLY HAIR; Arrhythmogenic cardiomyopathy with woolly hair and keratoderma. Identifiers: Orphanet 65282, MedGen C1854063, MONDO:0011581, OMIM 605676.
Arrhythmogenic right ventricular dysplasia 8 (ARVD8). Also called: Arrhythmogenic Right Ventricular Dysplasia/Cardiomyopathy 8; ARRHYTHMOGENIC RIGHT VENTRICULAR DYSPLASIA, FAMILIAL, 8; ARRHYTHMOGENIC RIGHT VENTRICULAR CARDIOMYOPATHY 8. Identifiers: MedGen C1843896, MONDO:0011831, OMIM 607450.
Cardiomyopathy (CMYO). Also called: Cardiomyopathies. Identifiers: Orphanet 167848, MedGen C0878544, MONDO:0004994, HP:0001638. Inheritance: Various modes of inheritance.

Allele frequency attached by ClinVar (database versions not stated): gnomAD 0.00006 and 0.00032; TOPMed 0.00016; gnomAD exomes 0.00046 and 0.00098; ExAC 0.00097; 1000 Genomes Project 0.00120; 1000 Genomes Project 30x 0.00125.
gnomAD v4.1: 736 of 1,614,242 alleles (0.046%); highest among the groups gnomAD compares: South Asian, 0.7%; 10 homozygotes.

Submissions (12):

CeGaT Center for Human Genetics Tuebingen
Classification: Likely benign. Last evaluated: 2026-04-01. Review status: criteria provided, single submitter. Criteria: CeGaT Center For Human Genetics Tuebingen Variant Classification Criteria Version 2. Collection method: clinical testing. Allele origin: germline. Affected: yes. Observed: 5 variant alleles.
Comment: DSP: BP4, BP7

Labcorp Genetics (formerly Invitae), Labcorp
Classification: Benign for Arrhythmogenic cardiomyopathy with wooly hair and keratoderma; Arrhythmogenic right ventricular dysplasia 8. Last evaluated: 2026-01-27. Review status: criteria provided, single submitter. Criteria: Invitae Variant Classification Sherloc (09022015). Collection method: clinical testing. Allele origin: germline.

Blueprint Genetics
Classification: Likely benign. Last evaluated: 2024-11-07. Review status: criteria provided, single submitter. Criteria: ACMG Guidelines, 2015. Collection method: clinical testing. Allele origin: germline.

All of Us Research Program, National Institutes of Health
Classification: Benign for Arrhythmogenic cardiomyopathy with wooly hair and keratoderma. Last evaluated: 2023-12-01. Review status: criteria provided, single submitter. Criteria: ACMG Guidelines, 2015. Collection method: clinical testing. Allele origin: germline. Inheritance: Autosomal dominant inheritance. Observed: 19 variant alleles, 19 heterozygotes.
Comment: This study involves interpretation of variants in research participants for the purpose of population health screening. Participant phenotype was not available at the time of variant classification. Additional details can be found in publication PMID: 35346344, PMCID: PMC8962531

Women's Health and Genetics/Laboratory Corporation of America, LabCorp
Classification: Benign. Last evaluated: 2021-04-25. Review status: criteria provided, single submitter. Criteria: LabCorp Variant Classification Summary - May 2015. Collection method: clinical testing. Allele origin: germline.

Ambry Genetics
Classification: Likely benign for Cardiovascular phenotype. Last evaluated: 2021-01-29. Review status: criteria provided, single submitter. Criteria: Ambry Variant Classification Scheme 2023. Collection method: clinical testing. Allele origin: germline.

Color Diagnostics, LLC DBA Color Health
Classification: Benign for Cardiomyopathy. Last evaluated: 2018-10-16. Review status: criteria provided, single submitter. Criteria: ACMG Guidelines, 2015. Collection method: clinical testing. Allele origin: germline.

CHEO Genetics Diagnostic Laboratory, Children's Hospital of Eastern Ontario
Classification: Benign for Cardiomyopathy. Last evaluated: 2018-07-31. Review status: criteria provided, single submitter. Criteria: ACMG Guidelines, 2015. Collection method: clinical testing. Allele origin: germline.

Laboratory for Molecular Medicine, Mass General Brigham Personalized Medicine
Classification: Likely benign. Last evaluated: 2015-03-30. Review status: criteria provided, single submitter. Criteria: LMM Criteria. Collection method: clinical testing. Allele origin: germline. Observed: 3 variant alleles.
Comment: p.Ile2756Ile in exon 24 of DSP: This variant is not expected to have clinical si gnificance because it has been identified in 0.7% (112/16510) of South Asian chr omosomes including three homozygotes by the Exome Aggregation Consortium (ExAC; dbSNP rs397516963).

GeneDx
Classification: Benign. Last evaluated: 2014-09-12. Review status: criteria provided, single submitter. Criteria: GeneDx Variant Classification (06012015). Collection method: clinical testing. Allele origin: germline. Affected: yes.
Comment: This variant is considered likely benign or benign based on one or more of the following criteria: it is a conservative change, it occurs at a poorly conserved position in the protein, it is predicted to be benign by multiple in silico algorithms, and/or has population frequency not consistent with disease.

Clinical Genetics DNA and cytogenetics Diagnostics Lab, Erasmus MC, Erasmus Medical Center
Classification: Likely benign. Review status: no assertion criteria provided. Collection method: clinical testing. Allele origin: germline. Affected: yes. Study: VKGL Data-share Consensus. Not counted in ClinVar's aggregate classification.

Clinical Genetics, Academic Medical Center
Classification: Benign. Review status: no assertion criteria provided. Collection method: clinical testing. Allele origin: germline. Affected: yes. Study: VKGL Data-share Consensus. Not counted in ClinVar's aggregate classification.

NM_004415.4(DSP):c.8268A>C (p.Ile2756=)

Gene: DSP (desmoplakin; plus strand). Cytogenetic location: 6p24.3.
Variant type: single nucleotide variant.
Coding change: c.8268A>C on transcript NM_004415.4 (MANE Select); coding-DNA position 8268, A replaced by C.
Protein change: p.Ile2756=; no amino-acid change (isoleucine 2756 retained).
Molecular consequence: synonymous variant.
Genome position (GRCh38, 1-based): chr6:7,585,530, A>C. VCF-style: chr6-7585530-A-C. GRCh37 (hg19) VCF-style: chr6-7585763-A-C.
Other names: p.I2756I:ATA>ATC; c.6471A>C, p.Ile2157= (NM_001008844.3); c.6939A>C, p.Ile2313= (NM_001319034.2).
Identifiers: ClinVar variation 44962 (VCV000044962.61), dbSNP rs397516963, ClinGen allele CA007439.